The following is an entry in ClinVar:

ClinVar aggregate classification (germline): Pathogenic (1 of 4 stars; one submission).

Conditions:
Cardiac anomalies - developmental delay - facial dysmorphism syndrome (MRFACD). Also called: Impaired intellectual development and distinctive facial features with or without cardiac defects; MED13L Syndrome. Identifiers: Orphanet 369891, MedGen C5192431, MONDO:0014773, OMIM 616789.

Submission:

Gansu Provincial Maternity and Child Care Hospital
Classification: Pathogenic for Cardiac anomalies - developmental delay - facial dysmorphism syndrome. Last evaluated: 2026-06-02. Review status: criteria provided, single submitter. Criteria: ACMG Guidelines, 2015. Collection method: clinical testing. Allele origin: de novo. Inheritance: Autosomal dominant inheritance. Affected: yes.
Comment: The c.3012_3013insT variant is a frameshift variant that leads to premature termination of translation (PVS1). Parental verification confirmed it as a de novo variant (PS2). This site is not recorded in the gnomAD database (PM2_supporting).This variant is classified as pathogenic.

NM_015335.5(MED13L):c.3012dup (p.Gly1005fs)

Gene: MED13L (mediator complex subunit 13L; minus strand). Cytogenetic location: 12q24.21.
Variant type: Duplication.
Coding change: c.3012dup on transcript NM_015335.5 (MANE Select); coding-DNA position 3012, one base duplicated (T; older notation c.3012dupT).
Protein change: p.Gly1005fs; shifts the reading frame from glycine 1005.
Molecular consequence: frameshift variant.
Genome position (GRCh38, 1-based): chr12:115,991,942, A duplicated on the plus strand (T on the coding strand, the reverse complement: MED13L is on the minus strand); the first of 2 consecutive A bases (chr12:115,991,942-115,991,943); duplicating either gives the same sequence. VCF-style (leftmost placement, unchanged base first): chr12-115991941-C-CA. GRCh37 (hg19) VCF-style: chr12-116429746-C-CA.
Other names: c.3012_3013insT (NM_015335.5); short protein forms G1005fs.
Identifiers: ClinVar variation 4856400 (VCV004856400.1).